The following is an entry in ClinVar:

NM_000168.6(GLI3):c.712T>C (p.Tyr238His)

Gene: GLI3 (GLI family zinc finger 3; minus strand). Cytogenetic location: 7p14.1.
Variant type: single nucleotide variant.
Coding change: c.712T>C on transcript NM_000168.6 (MANE Select); coding-DNA position 712, T replaced by C.
Protein change: p.Tyr238His; replaces tyrosine 238 with histidine.
Molecular consequence: missense variant.
Genome position (GRCh38, 1-based): chr7:42,045,498, A>G on the plus strand (T>C on the coding strand, the complement: GLI3 is on the minus strand). VCF-style: chr7-42045498-A-G. GRCh37 (hg19) VCF-style: chr7-42085097-A-G.
Other names: short protein forms Y238H.
Identifiers: ClinVar variation 2110080 (VCV002110080.4), dbSNP rs1784227392, ClinGen allele CA367331445.

ClinVar aggregate classification (germline): Uncertain significance (1 of 4 stars; one submission).

Conditions:
Pallister-Hall syndrome (PHS). Also called: HYPOTHALAMIC HAMARTOBLASTOMA, HYPOPITUITARISM, IMPERFORATE ANUS, AND POSTAXIAL POLYDACTYLY; GLI3-Related Pallister-Hall Syndrome. Identifiers: Orphanet 672, MedGen C0265220, MONDO:0007804, OMIM 146510.
Greig cephalopolysyndactyly syndrome (GCPS). Also called: POLYSYNDACTYLY WITH PECULIAR SKULL SHAPE; Greig syndrome; GLI3-Related Greig Cephalopolysyndactyly Syndrome. Identifiers: Orphanet 380, MedGen C0265306, MONDO:0008287, OMIM 175700.

Allele frequency attached by ClinVar (database versions not stated): gnomAD exomes below 0.00001; TOPMed below 0.00001.
gnomAD v4.1: 1 of 1,614,090 alleles (0.000062%); highest among the groups gnomAD compares: Non-Finnish European, 0.000085%; no homozygotes.

Submission:

Labcorp Genetics (formerly Invitae), Labcorp
Classification: Uncertain significance for Pallister-Hall syndrome; Greig cephalopolysyndactyly syndrome. Last evaluated: 2022-03-12. Review status: criteria provided, single submitter. Criteria: Invitae Variant Classification Sherloc (09022015). Collection method: clinical testing. Allele origin: germline.
Comment: In summary, the available evidence is currently insufficient to determine the role of this variant in disease. Therefore, it has been classified as a Variant of Uncertain Significance. Algorithms developed to predict the effect of missense changes on protein structure and function are either unavailable or do not agree on the potential impact of this missense change (SIFT: "Deleterious"; PolyPhen-2: "Probably Damaging"; Align-GVGD: "Class C0"). This variant has not been reported in the literature in individuals affected with GLI3-related conditions. This variant is not present in population databases (gnomAD no frequency). This sequence change replaces tyrosine, which is neutral and polar, with histidine, which is basic and polar, at codon 238 of the GLI3 protein (p.Tyr238His).